The following is an entry in ClinVar:

ClinVar aggregate classification (germline): Uncertain significance (1 of 4 stars; one submission).

Conditions:
Catecholaminergic polymorphic ventricular tachycardia 1. Also called: VENTRICULAR TACHYCARDIA, STRESS-INDUCED POLYMORPHIC 1; RYR2-Related Catecholaminergic Polymorphic Ventricular Tachycardia; VENTRICULAR TACHYCARDIA, CATECHOLAMINERGIC POLYMORPHIC, 1, WITH OR WITHOUT ATRIAL DYSFUNCTION AND/OR DILATED CARDIOMYOPATHY. Identifiers: Orphanet 3286, MedGen C1631597, MONDO:0011484, OMIM 604772.

Submission:

MVZ Medizinische Genetik Mainz
Classification: Uncertain significance for Catecholaminergic polymorphic ventricular tachycardia 1. Last evaluated: 2026-02-11. Review status: criteria provided, single submitter. Criteria: UK Practice Guidelines For Variant Classification V4 01 2020. Collection method: clinical testing. Allele origin: germline. Inheritance: Autosomal dominant inheritance. Affected: yes. Observed: 1 variant allele.
Comment: ACMG Criteria: PP3_STR,PM2_SUP

NM_001035.3(RYR2):c.140G>A (p.Cys47Tyr)

Gene: RYR2 (ryanodine receptor 2; plus strand). Cytogenetic location: 1q43.
Variant type: single nucleotide variant.
Coding change: c.140G>A on transcript NM_001035.3 (MANE Select); coding-DNA position 140, G replaced by A.
Protein change: p.Cys47Tyr; replaces cysteine 47 with tyrosine.
Molecular consequence: missense variant.
Genome position (GRCh38, 1-based): chr1:237,270,588, G>A. VCF-style: chr1-237270588-G-A. GRCh37 (hg19) VCF-style: chr1-237433888-G-A.
Other names: short protein forms C47Y.
Identifiers: ClinVar variation 4796784 (VCV004796784.1).